The following is an entry in ClinVar:

NM_001365999.1(SZT2):c.1872G>C (p.Trp624Cys)

Gene: SZT2 (SZT2 subunit of KICSTOR complex; plus strand). Cytogenetic location: 1p34.2.
Variant type: single nucleotide variant.
Coding change: c.1872G>C on transcript NM_001365999.1 (MANE Select); coding-DNA position 1872, G replaced by C.
Protein change: p.Trp624Cys; replaces tryptophan 624 with cysteine.
Molecular consequence: missense variant.
Genome position (GRCh38, 1-based): chr1:43,422,582, G>C. VCF-style: chr1-43422582-G-C. GRCh37 (hg19) VCF-style: chr1-43888253-G-C.
Other names: c.1872G>C, p.Trp624Cys (NM_015284.4); short protein forms W624C.
Identifiers: ClinVar variation 659857 (VCV000659857.8), dbSNP rs765237992, ClinGen allele CA21630158.
Genomic context (GRCh38, chr1:43,422,582, plus strand): 5'-CTACAGCACTATCCAGTGCAGGATCTCCCACTCCTCCCTGACCTCTCTGCTGCGGGACTG[G>C]AGCAGCTTCGTACTAGTCGAGGGCTATTCTTATGTTAAGCTGCTCTCCAGGTGGGCAAAG-3'
Protein context (NP_001352928.1, residues 614-634): HSSLTSLLRD[Trp624Cys]SSFVLVEGYS

ClinVar aggregate classification (germline): Uncertain significance (1 of 4 stars; one submission).

Allele frequency attached by ClinVar (database versions not stated): gnomAD exomes 0.00002; TOPMed 0.00002; gnomAD 0.00003 and 0.00004.
gnomAD v4.1: 38 of 1,597,914 alleles (0.0024%); highest among the groups gnomAD compares: Admixed American, 0.005%; no homozygotes.

Submission:

Labcorp Genetics (formerly Invitae), Labcorp
Classification: Uncertain significance. Last evaluated: 2023-04-09. Review status: criteria provided, single submitter. Criteria: Invitae Variant Classification Sherloc (09022015). Collection method: clinical testing. Allele origin: germline.
Comment: In summary, the available evidence is currently insufficient to determine the role of this variant in disease. Therefore, it has been classified as a Variant of Uncertain Significance. Advanced modeling of protein sequence and biophysical properties (such as structural, functional, and spatial information, amino acid conservation, physicochemical variation, residue mobility, and thermodynamic stability) performed at Invitae indicates that this missense variant is not expected to disrupt SZT2 protein function. ClinVar contains an entry for this variant (Variation ID: 659857). This variant has not been reported in the literature in individuals affected with SZT2-related conditions. This variant is present in population databases (no rsID available, gnomAD 0.003%). This sequence change replaces tryptophan, which is neutral and slightly polar, with cysteine, which is neutral and slightly polar, at codon 624 of the SZT2 protein (p.Trp624Cys).